The following is an entry in ClinVar:

ClinVar aggregate classification (germline): not provided (0 of 4 stars; one submission).

Allele frequency attached by ClinVar (database versions not stated): gnomAD 0.00002; TOPMed 0.00003; gnomAD exomes 0.00005 and 0.00007; ExAC 0.00019.

Submission:

ITMI
No classification provided. Condition: AllHighlyPenetrant. Last evaluated: 2013-09-19. Review status: no classification provided. Collection method: reference population. Allele origin: germline.
Comment: Please see associated publication for description of ethnicities

Literature cited by the submitters: PubMed 24728327.

NM_003820.4(TNFRSF14):c.304+642C>T

Gene: TNFRSF14 (TNF receptor superfamily member 14; plus strand). Cytogenetic location: 1p36.32.
Variant type: single nucleotide variant.
Coding change: c.304+642C>T on transcript NM_003820.4 (MANE Select); 642 bases into the intron after coding-DNA position 304, C replaced by T.
Molecular consequence: intron variant.
Genome position (GRCh38, 1-based): chr1:2,559,110, C>T. VCF-style: chr1-2559110-C-T. GRCh37 (hg19) VCF-style: chr1-2490549-C-T.
Other names: c.304+642C>T (NM_001297605.2).
Identifiers: ClinVar variation 133397 (VCV000133397.1), dbSNP rs587777981, ClinGen allele CA156489.
Genomic context (GRCh38, chr1:2,559,110, plus strand): 5'-GCTCAGCATGGCCAGTGCTCCCTGCGGCCAGGCAGGACTGCACCTGCGGGACAGGGCTGA[C>T]GGCACACCTGGGGGCAGGGCCTGAGCCTACAGGGAGGCACAGGGCAGGTGGGCTAGCCAT-3'